The following is an entry in ClinVar:

ClinVar aggregate classification (germline): Uncertain significance (1 of 4 stars; one submission).

gnomAD v4.1: 2 of 1,614,014 alleles (0.00012%); highest among the groups gnomAD compares: Non-Finnish European, 0.00017%; no homozygotes.

Submission:

Labcorp Genetics (formerly Invitae), Labcorp
Classification: Uncertain significance. Last evaluated: 2024-05-12. Review status: criteria provided, single submitter. Criteria: Invitae Variant Classification Sherloc (09022015). Collection method: clinical testing. Allele origin: germline.
Comment: This sequence change replaces arginine, which is basic and polar, with leucine, which is neutral and non-polar, at codon 150 of the ALPK1 protein (p.Arg150Leu). This variant is present in population databases (rs374550552, gnomAD 0.006%). This variant has not been reported in the literature in individuals affected with ALPK1-related conditions. Advanced modeling of protein sequence and biophysical properties (such as structural, functional, and spatial information, amino acid conservation, physicochemical variation, residue mobility, and thermodynamic stability) performed at Invitae indicates that this missense variant is expected to disrupt ALPK1 protein function with a positive predictive value of 80%. In summary, the available evidence is currently insufficient to determine the role of this variant in disease. Therefore, it has been classified as a Variant of Uncertain Significance.

NM_025144.4(ALPK1):c.449G>T (p.Arg150Leu)

Gene: ALPK1 (alpha kinase 1; plus strand). Cytogenetic location: 4q25.
Variant type: single nucleotide variant.
Coding change: c.449G>T on transcript NM_025144.4 (MANE Select); coding-DNA position 449, G replaced by T.
Protein change: p.Arg150Leu; replaces arginine 150 with leucine.
Molecular consequence: missense variant.
Genome position (GRCh38, 1-based): chr4:112,411,999, G>T. VCF-style: chr4-112411999-G-T. GRCh37 (hg19) VCF-style: chr4-113333155-G-T.
Other names: c.449G>T, p.Arg150Leu (NM_001102406.2); c.215G>T, p.Arg72Leu (NM_001253884.2); short protein forms R150L, R72L.
Identifiers: ClinVar variation 3653121 (VCV003653121.2).